The following is an entry in ClinVar:

NM_021927.3(GUF1):c.41C>G (p.Ala14Gly)

Genes: GUF1 (GTP binding elongation factor GUF1; plus strand), LOC129992541 (ATAC-STARR-seq lymphoblastoid silent region 15397; plus strand). Cytogenetic location: 4p12.
Variant type: single nucleotide variant.
Coding change: c.41C>G on transcript NM_021927.3 (MANE Select); coding-DNA position 41, C replaced by G.
Protein change: p.Ala14Gly; replaces alanine 14 with glycine.
Molecular consequence: missense variant. On other transcripts: 5 prime UTR variant (2).
Genome position (GRCh38, 1-based): chr4:44,678,663, C>G. VCF-style: chr4-44678663-C-G. GRCh37 (hg19) VCF-style: chr4-44680680-C-G.
Other names: c.-928C>G (NM_001345867.2); c.41C>G, p.Ala14Gly (NM_001345868.2); c.-820C>G (NM_001345869.2); short protein forms A14G.
Identifiers: ClinVar variation 1383660 (VCV001383660.6), dbSNP rs778459305, ClinGen allele CA2905166.
Genomic context (GRCh38, chr4:44,678,663, plus strand): 5'-ACGCCTCCGCCGCCCGGGTCATGTGGACCCTCGTGGGTCGGGGCTGGGGGTGCGCACGCG[C>G]TCTCGCGCCACGAGCCACTGGGGCCGCGCTTCTGGTGGCCCCGGGGCCCCGGTCCGCGCC-3'
Protein context (NP_068746.2, residues 4-24): LVGRGWGCAR[Ala14Gly]LAPRATGAAL

ClinVar aggregate classification (germline): Uncertain significance (1 of 4 stars; one submission).

Allele frequency attached by ClinVar (database versions not stated): gnomAD exomes 0.00001; ExAC 0.00002; TOPMed 0.00002.
gnomAD v4.1: 2 of 1,489,790 alleles (0.00013%); highest among the groups gnomAD compares: Admixed American, 0.003%; no homozygotes.

Submission:

Labcorp Genetics (formerly Invitae), Labcorp
Classification: Uncertain significance. Last evaluated: 2024-02-16. Review status: criteria provided, single submitter. Criteria: Invitae Variant Classification Sherloc (09022015). Collection method: clinical testing. Allele origin: germline.
Comment: This sequence change replaces alanine, which is neutral and non-polar, with glycine, which is neutral and non-polar, at codon 14 of the GUF1 protein (p.Ala14Gly). This variant is present in population databases (rs778459305, gnomAD 0.01%). This variant has not been reported in the literature in individuals affected with GUF1-related conditions. ClinVar contains an entry for this variant (Variation ID: 1383660). An algorithm developed to predict the effect of missense changes on protein structure and function (PolyPhen-2) suggests that this variant is likely to be tolerated. In summary, the available evidence is currently insufficient to determine the role of this variant in disease. Therefore, it has been classified as a Variant of Uncertain Significance.